The following is an entry in ClinVar:

NM_007294.4(BRCA1):c.2226_2227del (p.Asn742fs)

Gene: BRCA1 (BRCA1 DNA repair associated; minus strand). Cytogenetic location: 17q21.31.
Variant type: Deletion.
Coding change: c.2226_2227del on transcript NM_007294.4 (MANE Select); coding-DNA positions 2226 to 2227, 2 bases deleted (TA; older notation c.2226_2227delTA).
Protein change: p.Asn742fs; shifts the reading frame from asparagine 742.
Molecular consequence: frameshift variant. On other transcripts: intron variant (137).
Genome position (GRCh38, 1-based): chr17:43,093,304-43,093,305, TA deleted on the plus strand (TA on the coding strand, the reverse complement: BRCA1 is on the minus strand); deleting any 2 consecutive bases within chr17:43,093,304-43,093,306 gives the same sequence; the c. name uses the placement nearest the transcript's 3' end. VCF-style (leftmost placement, unchanged base first): chr17-43093303-TTA-T. GRCh37 (hg19) VCF-style: chr17-41245320-TTA-T.
Other names: c.2226_2227delTA (NM_007294.3); c.2223_2224del, p.Asn741fs (NM_001407627.1, NM_001407628.1, NM_001407629.1 and 22 more transcripts); c.2226_2227del, p.Asn742fs (NM_001407639.1, NM_001407640.1, NM_001407641.1 and 30 more transcripts); c.2217_2218del, p.Asn739fs (NM_001407646.1, NM_001407647.1); c.2103_2104del, p.Asn701fs (NM_001407648.1, NM_001407664.1, NM_001407665.1 and 19 more transcripts); c.2100_2101del, p.Asn700fs (NM_001407649.1, NM_001407670.1, NM_001407671.1 and 11 more transcripts); c.2148_2149del, p.Asn716fs (NM_001407653.1, NM_001407654.1, NM_001407655.1 and 4 more transcripts); c.2145_2146del, p.Asn715fs (NM_001407659.1, NM_001407660.1, NM_001407661.1 and 1 more transcripts); and 42 more; short protein forms N695fs, N742fs, N446fs, N631fs, N694fs, N715fs, N716fs, N614fs.
Identifiers: ClinVar variation 240780 (VCV000240780.10), dbSNP rs878854938, ClinGen allele CA10583574.

ClinVar aggregate classification (germline): Pathogenic. Review status: reviewed by expert panel (3 of 4 stars). 2 submissions from 2 submitters: Pathogenic (1). 1 of the submissions does not count toward it. Last evaluated 2017-12-15.

Conditions:
Hereditary breast ovarian cancer syndrome. Also called: Hereditary breast and ovarian cancer syndrome (HBOC); Breast and ovarian cancer; Hereditary breast and ovarian cancer syndrome; Hereditary breast and ovarian cancer; BRCA1- and BRCA2-Associated Hereditary Breast and Ovarian Cancer; Hereditary breast and/or ovarian cancer syndrome. Identifiers: Orphanet 145, MedGen C0677776, MeSH D061325, MONDO:0003582. Disease mechanism: loss of function.
Breast-ovarian cancer, familial, susceptibility to, 1 (BROVCA1). Also called: BRCA1 Hereditary Breast and Ovarian Cancer; OVARIAN CANCER, SUSCEPTIBILITY TO. Identifiers: Orphanet 145, MedGen C2676676, MONDO:0011450, OMIM 604370. Disease mechanism: loss of function.

Submissions (2):

Evidence-based Network for the Interpretation of Germline Mutant Alleles (ENIGMA)
Classification: Pathogenic for Breast-ovarian cancer, familial, susceptibility to, 1. Last evaluated: 2017-12-15. Review status: reviewed by expert panel. Criteria: ENIGMA BRCA1/2 Classification Criteria (2017-06-29). Collection method: curation. Allele origin: germline. Study: ENIGMA.
Comment: Variant allele predicted to encode a truncated non-functional protein.

Labcorp Genetics (formerly Invitae), Labcorp
Classification: Pathogenic for Hereditary breast ovarian cancer syndrome. Last evaluated: 2016-08-15. Review status: criteria provided, single submitter. Criteria: Invitae Variant Classification Sherloc (09022015). Collection method: clinical testing. Allele origin: germline. Not counted in ClinVar's aggregate classification.
Comment: This sequence change deletes 2 nucleotides from exon 10 of the BRCA1 mRNA (c.2226_2227delTA), causing a frameshift at codon 742. This creates a premature translational stop signal (p.Asn742Lysfs*3) and is expected to result in an absent or disrupted protein product. While this particular variant has not been reported in the literature, truncating variants in BRCA1 are known to be pathogenic (PMID: 20104584). For these reasons, this variant has been classified as Pathogenic.

Literature cited by the submitters: PubMed 20104584 (cited by Labcorp Genetics (formerly Invitae), Labcorp).